The following is an entry in ClinVar:

NM_022124.6(CDH23):c.303_306dup (p.Val103fs)

Genes: CDH23 (cadherin related 23; plus strand), CDH23-AS1 (CDH23 antisense RNA 1; minus strand). Cytogenetic location: 10q22.1.
Variant type: Duplication.
Coding change: c.303_306dup on transcript NM_022124.6 (MANE Select); coding-DNA positions 303 to 306, 4 bases duplicated (CACC; older notation c.303_306dupCACC).
Protein change: p.Val103fs; shifts the reading frame from valine 103.
Molecular consequence: frameshift variant.
Genome position (GRCh38, 1-based): chr10:71,510,968-71,510,971, CACC duplicated. VCF-style (leftmost placement, unchanged base first): chr10-71510967-T-TCACC. GRCh37 (hg19) VCF-style: chr10-73270724-T-TCACC.
Other names: c.303_306dup, p.Val103fs (NM_001171930.2, NM_001171931.2, NM_001171932.2 and 1 more transcripts); short protein forms V103fs.
Identifiers: ClinVar variation 1452739 (VCV001452739.6), dbSNP rs1470508986, ClinGen allele CA668076631.

ClinVar aggregate classification (germline): Pathogenic (1 of 4 stars; one submission).

Allele frequency attached by ClinVar (database versions not stated): gnomAD exomes below 0.00001; TOPMed below 0.00001; gnomAD 0.00001.

Submission:

Labcorp Genetics (formerly Invitae), Labcorp
Classification: Pathogenic. Last evaluated: 2021-07-21. Review status: criteria provided, single submitter. Criteria: Invitae Variant Classification Sherloc (09022015). Collection method: clinical testing. Allele origin: germline.
Comment: This variant has not been reported in the literature in individuals affected with CDH23-related conditions. This variant is not present in population databases (ExAC no frequency). This sequence change creates a premature translational stop signal (p.Val103Hisfs*26) in the CDH23 gene. It is expected to result in an absent or disrupted protein product. Loss-of-function variants in CDH23 are known to be pathogenic (PMID: 11138009, 21940737). For these reasons, this variant has been classified as Pathogenic.

Literature cited by the submitters: PubMed 11138009; PubMed 21940737.